The following is an entry in ClinVar:

NM_013275.6(ANKRD11):c.5960T>C (p.Phe1987Ser)

Gene: ANKRD11 (ankyrin repeat domain 11; minus strand). Cytogenetic location: 16q24.3.
Variant type: single nucleotide variant.
Coding change: c.5960T>C on transcript NM_013275.6 (MANE Select); coding-DNA position 5960, T replaced by C.
Protein change: p.Phe1987Ser; replaces phenylalanine 1987 with serine.
Molecular consequence: missense variant.
Genome position (GRCh38, 1-based): chr16:89,280,582, A>G on the plus strand (T>C on the coding strand, the complement: ANKRD11 is on the minus strand). VCF-style: chr16-89280582-A-G. GRCh37 (hg19) VCF-style: chr16-89346990-A-G.
Other names: c.5960T>C (NM_013275.4); c.5960T>C, p.Phe1987Ser (NM_001256182.2, NM_001256183.2); short protein forms F1987S.
Identifiers: ClinVar variation 3655591 (VCV003655591.16).
Genomic context (GRCh38, chr16:89,280,582, plus strand): 5'-GGCCCTGGGGCGGCAGAGTGGAGGGGGTCCGCGGGGCAGAAACGCTTTGGGGACTCGGGG[A>G]ATCTCTGTGGAGACTTCAGCAGGAGGTCCGAGCCCACAGGCCAGCTCACAGGGTTTTCAG-3'
Protein context (NP_037407.4, residues 1977-1997): SDLLLKSPQR[Phe1987Ser]PESPKRFCPA

ClinVar aggregate classification (germline): Conflicting classifications of pathogenicity. Review status: criteria provided, conflicting classifications (1 of 4 stars). 3 submissions from 3 submitters: Uncertain significance (1); Likely benign (2). Last evaluated 2025-08-14.

Conditions:
Inborn genetic diseases. Identifiers: MedGen C0950123, MeSH D030342.
KBG syndrome (KBGS). Also called: ANKRD11-Related KBG Syndrome. Identifiers: Orphanet 2332, MedGen C0220687, MONDO:0007846, OMIM 148050.

gnomAD v4.1: 124 of 1,613,212 alleles (0.0077%); highest among the groups gnomAD compares: Non-Finnish European, 0.01%; no homozygotes.

Submissions (3):

Ambry Genetics
Classification: Likely benign for Inborn genetic diseases. Last evaluated: 2025-08-14. Review status: criteria provided, single submitter. Criteria: Ambry Variant Classification Scheme 2023. Collection method: clinical testing. Allele origin: germline.

CeGaT Center for Human Genetics Tuebingen
Classification: Likely benign. Last evaluated: 2025-01-01. Review status: criteria provided, single submitter. Criteria: CeGaT Center For Human Genetics Tuebingen Variant Classification Criteria Version 2. Collection method: clinical testing. Allele origin: germline. Affected: yes. Observed: 1 variant allele.
Comment: ANKRD11: BP4

Labcorp Genetics (formerly Invitae), Labcorp
Classification: Uncertain significance for KBG syndrome. Last evaluated: 2024-03-07. Review status: criteria provided, single submitter. Criteria: Invitae Variant Classification Sherloc (09022015). Collection method: clinical testing. Allele origin: germline.
Comment: This sequence change replaces phenylalanine, which is neutral and non-polar, with serine, which is neutral and polar, at codon 1987 of the ANKRD11 protein (p.Phe1987Ser). This variant is present in population databases (rs750094695, gnomAD 0.009%). This variant has not been reported in the literature in individuals affected with ANKRD11-related conditions. Advanced modeling of protein sequence and biophysical properties (such as structural, functional, and spatial information, amino acid conservation, physicochemical variation, residue mobility, and thermodynamic stability) performed at Invitae indicates that this missense variant is not expected to disrupt ANKRD11 protein function with a negative predictive value of 95%. In summary, the available evidence is currently insufficient to determine the role of this variant in disease. Therefore, it has been classified as a Variant of Uncertain Significance.